The following is an entry in ClinVar:

NM_002468.5(MYD88):c.683T>G (p.Leu228Arg)

Gene: MYD88 (MYD88 innate immune signal transduction adaptor; plus strand). Cytogenetic location: 3p22.2.
Variant type: single nucleotide variant.
Coding change: c.683T>G on transcript NM_002468.5 (MANE Select); coding-DNA position 683, T replaced by G.
Protein change: p.Leu228Arg; replaces leucine 228 with arginine.
Molecular consequence: missense variant. On other transcripts: intron variant (1).
Genome position (GRCh38, 1-based): chr3:38,140,795, T>G. VCF-style: chr3-38140795-T-G. GRCh37 (hg19) VCF-style: chr3-38182286-T-G.
Other names: c.367T>G, p.Cys123Gly (NM_001172566.2); c.707T>G, p.Leu236Arg (NM_001172567.2); c.548T>G, p.Leu183Arg (NM_001172568.2); c.502T>G, p.Cys168Gly (NM_001172569.3); c.664T>G, p.Cys222Gly (NM_001365876.1); c.529T>G, p.Cys177Gly (NM_001365877.1); c.645-5T>G (NM_001374787.1); short protein forms C168G, C123G, C222G, L228R, L236R, C177G, L183R, L249R.
Identifiers: ClinVar variation 1967291 (VCV001967291.5), dbSNP rs2125779582, ClinGen allele CA352133545.

ClinVar aggregate classification (germline): Uncertain significance (1 of 4 stars; one submission).

Conditions:
Pyogenic bacterial infections due to MyD88 deficiency (IMD68). Also called: PYOGENIC BACTERIAL INFECTIONS, RECURRENT, DUE TO MYD88 DEFICIENCY. Identifiers: Orphanet 183713, MedGen C2677092, MONDO:0012839, OMIM 612260.

Submission:

Labcorp Genetics (formerly Invitae), Labcorp
Classification: Uncertain significance for Pyogenic bacterial infections due to MyD88 deficiency. Last evaluated: 2025-05-12. Review status: criteria provided, single submitter. Criteria: Invitae Variant Classification Sherloc (09022015). Collection method: clinical testing. Allele origin: germline.
Comment: This sequence change replaces leucine, which is neutral and non-polar, with arginine, which is basic and polar, at codon 241 of the MYD88 protein (p.Leu241Arg). This variant is not present in population databases (gnomAD no frequency). This variant has not been reported in the literature in individuals affected with MYD88-related conditions. ClinVar contains an entry for this variant (Variation ID: 1967291). An algorithm developed to predict the effect of missense changes on protein structure and function (PolyPhen-2) suggests that this variant is likely to be disruptive. In summary, the available evidence is currently insufficient to determine the role of this variant in disease. Therefore, it has been classified as a Variant of Uncertain Significance.